The following is an entry in ClinVar:

NM_000543.5(SMPD1):c.1778_1787del (p.Ala593fs)

Gene: SMPD1 (sphingomyelin phosphodiesterase 1; plus strand). Cytogenetic location: 11p15.4.
Variant type: Deletion.
Coding change: c.1778_1787del on transcript NM_000543.5 (MANE Select); coding-DNA positions 1778 to 1787, 10 bases deleted (CTACTCTTTG; older notation c.1778_1787delCTACTCTTTG).
Protein change: p.Ala593fs; shifts the reading frame from alanine 593.
Molecular consequence: frameshift variant. On other transcripts: 3 prime UTR variant (1), non-coding transcript variant (2).
Genome position (GRCh38, 1-based): chr11:6,394,489-6,394,498, CTACTCTTTG deleted; deleting any 10 consecutive bases within chr11:6,394,488-6,394,498 gives the same sequence; the c. name uses the placement nearest the transcript's 3' end. VCF-style (leftmost placement, unchanged base first): chr11-6394487-GGCTACTCTTT-G. GRCh37 (hg19) VCF-style: chr11-6415717-GGCTACTCTTT-G.
Other names: c.1775_1784del, p.Ala592fs (NM_001007593.3); c.*271_*280del (NM_001318087.2); c.857_866del, p.Ala286fs (NM_001318088.2); c.1646_1655del, p.Ala549fs (NM_001365135.2); c.1778_1787del10 (NM_000543.4); short protein forms A286fs, A549fs, A592fs, A593fs.
Identifiers: ClinVar variation 4814350 (VCV004814350.2).
Genomic context (GRCh38, chr11:6,394,487, plus strand): 5'-CTGGTTTCTCTACCATAAGGGCCACCCACCCTCGGAGCCCTGTGGCACGCCCTGCCGTCT[GGCTACTCTTT>G]GTGCCCAGCTCTCTGCCCGTGCTGACAGCCCTGCTCTGTGCCGCCACCTGATGCCAGATG-3'

ClinVar aggregate classification (germline): Likely pathogenic. Review status: criteria provided, multiple submitters, no conflicts (2 of 4 stars). 2 submissions from 2 submitters: Likely pathogenic (2). Last evaluated 2025-04-02.

Conditions:
Niemann-Pick disease, type A. Also called: SPHINGOMYELIN LIPIDOSIS; SPHINGOMYELINASE DEFICIENCY; Infantile Neurovisceral ASMD (Niemann-Pick Disease Type A; NPD-A). Identifiers: Orphanet 77292, MedGen C0268242, MONDO:0009756, OMIM 257200. Disease mechanism: loss of function.
SMPD1-related disorder. Also called: SMPD1-related condition.

Submissions (2):

PreventionGenetics, part of Exact Sciences
Classification: Likely pathogenic for SMPD1-related condition. Last evaluated: 2025-04-02. Review status: criteria provided, single submitter. Criteria: ACMG Guidelines, 2015. Collection method: clinical testing. Allele origin: germline.
Comment: The SMPD1 c.1778_1787del10 variant is predicted to result in a frameshift and premature protein termination (p.Ala593Valfs*17). This variant is located in the last exon of SMPD1, and therefore the resulting transcript may not undergo nonsense-mediated decay; however, other protein-truncating variants in this region have been reported in association with disease (see, for example, Ranganath et al. 2016. PubMed ID: 27338287; Rodríguez-Pascau et al. 2009. PubMed ID: 19405096; Ida et al. 1996. PubMed ID: 8664904). To our knowledge, this variant has not been reported in the literature or in a large population database (gnomAD), indicating this variant is rare. This variant is interpreted as likely pathogenic.

Natera, Inc.
Classification: Likely pathogenic for Niemann-Pick Disease, Types A/B. Last evaluated: 2025-03-10. Review status: criteria provided, single submitter. Criteria: Natera Variant Classification Schema (03/2026). Collection method: clinical testing. Allele origin: germline.
Comment: The c.1778_1787delCTACTCTTTG variant in SMPD1 is a frameshift variant predicted to shift the reading frame beginning at codon 593 and leads to a stop codon 17 codons downstream. This variant is expected to result in nonsense mediated decay, truncation, or a dysfunctional protein product. This variant is rare in the general population with a frequency below the threshold expected for the associated phenotype(s). Given the available evidence, this variant is classified as Likely Pathogenic.